The following is an entry in ClinVar:

NM_005100.4(AKAP12):c.3887G>T (p.Arg1296Leu)

Gene: AKAP12 (A-kinase anchoring protein 12; plus strand). Cytogenetic location: 6q25.1.
Variant type: single nucleotide variant.
Coding change: c.3887G>T on transcript NM_005100.4 (MANE Select); coding-DNA position 3887, G replaced by T.
Protein change: p.Arg1296Leu; replaces arginine 1296 with leucine.
Molecular consequence: missense variant.
Genome position (GRCh38, 1-based): chr6:151,352,278, G>T. VCF-style: chr6-151352278-G-T. GRCh37 (hg19) VCF-style: chr6-151673413-G-T.
Other names: c.3572G>T, p.Arg1191Leu (NM_001370346.1); c.3593G>T, p.Arg1198Leu (NM_144497.2); short protein forms R1191L, R1198L, R1296L.
Identifiers: ClinVar variation 2656998 (VCV002656998.24), dbSNP rs9478198, ClinGen allele CA4050202.

ClinVar aggregate classification (germline): Likely benign (1 of 4 stars; one submission).

Allele frequency attached by ClinVar (database versions not stated): 1000 Genomes Project 30x 0.00187; 1000 Genomes Project 0.00200; ESP Exome Variant Server 0.00554; ExAC 0.00606.
gnomAD v4.1: 11,437 of 1,614,166 alleles (0.71%); highest among the groups gnomAD compares: Non-Finnish European, 0.83%; 57 homozygotes.

Submission:

CeGaT Center for Human Genetics Tuebingen
Classification: Likely benign. Last evaluated: 2023-03-01. Review status: criteria provided, single submitter. Criteria: CeGaT Center For Human Genetics Tuebingen Variant Classification Criteria Version 2. Collection method: clinical testing. Allele origin: germline. Affected: yes. Observed: 1 variant allele.
Comment: AKAP12: BP4, BS2